The following is an entry in ClinVar:

ClinVar aggregate classification (germline): Likely benign. Review status: criteria provided, multiple submitters, no conflicts (2 of 4 stars). 2 submissions from 2 submitters: Likely benign (2). Last evaluated 2025-05-28.

Conditions:
RAI1-related disorder. Also called: RAI1-related condition.

Allele frequency attached by ClinVar (database versions not stated): gnomAD exomes below 0.00001; gnomAD 0.00001; TOPMed 0.00001.
gnomAD v4.1: 4 of 1,612,248 alleles (0.00025%); highest among the groups gnomAD compares: African/African-American, 0.0053%; no homozygotes.

Submissions (2):

PreventionGenetics, part of Exact Sciences
Classification: Likely benign for RAI1-related condition. Last evaluated: 2025-05-28. Review status: criteria provided, single submitter. Criteria: ACMG Guidelines, 2015. Collection method: clinical testing. Allele origin: germline.
Comment: This variant is classified as likely benign based on ACMG/AMP sequence variant interpretation guidelines (Richards et al. 2015 PMID: 25741868, with internal and published modifications).

Labcorp Genetics (formerly Invitae), Labcorp
Classification: Likely benign. Last evaluated: 2023-06-18. Review status: criteria provided, single submitter. Criteria: Invitae Variant Classification Sherloc (09022015). Collection method: clinical testing. Allele origin: germline.

NM_030665.4(RAI1):c.1560C>T (p.Gly520=)

Gene: RAI1 (retinoic acid induced 1; plus strand). Cytogenetic location: 17p11.2.
Variant type: single nucleotide variant.
Coding change: c.1560C>T on transcript NM_030665.4 (MANE Select); coding-DNA position 1560, C replaced by T.
Protein change: p.Gly520=; no amino-acid change (glycine 520 retained).
Molecular consequence: synonymous variant.
Genome position (GRCh38, 1-based): chr17:17,794,508, C>T. VCF-style: chr17-17794508-C-T. GRCh37 (hg19) VCF-style: chr17-17697822-C-T.
Other names: c.1560C>T (NM_030665.3).
Identifiers: ClinVar variation 2900886 (VCV002900886.4), dbSNP rs375696493, ClinGen allele CA288367787.